The following is an entry in ClinVar:

ClinVar aggregate classification (germline): Uncertain significance (1 of 4 stars; one submission).

Conditions:
Diabetes insipidus, nephrogenic, X-linked. Also called: Nephrogenic Diabetes Insipidus, Type I. Identifiers: Orphanet 223, MedGen C1563705, MONDO:0010581, OMIM 304800.

Submission:

Victorian Clinical Genetics Services, Murdoch Childrens Research Institute
Classification: Uncertain significance for Diabetes insipidus, nephrogenic, X-linked. Last evaluated: 2024-10-09. Review status: criteria provided, single submitter. Criteria: ACMG Guidelines, 2015. Collection method: clinical testing. Allele origin: germline. Inheritance: X-linked recessive inheritance. Affected: yes.
Comment: Based on the classification scheme VCGS_Germline_v1.3.4, this variant is classified as VUS-3B. Following criteria are met: 0103 - Loss of function and gain of function are known mechanisms of disease in this gene and are associated with nephrogenic diabetes insipidus 1 (MIM#304800) and nephrogenic syndrome of inappropriate antidiuresis (MIM#300539), respectively (PMID: 27355191). (I) 0109 - This gene is associated with X-linked recessive disease. (I) 0200 - Variant is predicted to result in a missense amino acid change from alanine to valine. (I) 0253 - This variant is hemizygous. (I) 0301 - Variant is absent from gnomAD (both v2 and v3). (SP) 0503 - Missense variant consistently predicted to be tolerated by multiple in silico tools or not conserved in placental mammals with a minor amino acid change. (SB) 0600 - Variant is located in the annotated 7 transmembrane receptor (rhodopsin family) domain (DECIPHER). (I) 0705 - No comparable missense variants have previous evidence for pathogenicity. (I) 0807 - This variant has no previous evidence of pathogenicity. (I) 0905 - No published segregation evidence has been identified for this variant. (I) 1007 - No published functional evidence has been identified for this variant. (I) 1208 - Inheritance information for this variant is not currently available in this individual. (I) Legend: (SP) - Supporting pathogenic, (I) - Information, (SB) - Supporting benign

Literature cited by the submitters: PubMed 27355191.

NM_000054.7(AVPR2):c.941C>T (p.Ala314Val)

Gene: AVPR2 (arginine vasopressin receptor 2; plus strand). Cytogenetic location: Xq28.
Variant type: single nucleotide variant.
Coding change: c.941C>T on transcript NM_000054.7 (MANE Select); coding-DNA position 941, C replaced by T.
Protein change: p.Ala314Val; replaces alanine 314 with valine.
Molecular consequence: missense variant. On other transcripts: 3 prime UTR variant (1), non-coding transcript variant (1).
Genome position (GRCh38, 1-based): chrX:153,906,553, C>T. VCF-style: chrX-153906553-C-T. GRCh37 (hg19) VCF-style: chrX-153172007-C-T.
Other names: c.*117C>T (NM_001146151.3); short protein forms A314V.
Identifiers: ClinVar variation 3377346 (VCV003377346.1).